The following is an entry in ClinVar:

ClinVar aggregate classification (germline): Likely benign (0 of 4 stars; one submission).

Conditions:
SEMA3C-related disorder. Also called: SEMA3C-related condition.

Allele frequency attached by ClinVar (database versions not stated): TOPMed 0.00002; gnomAD 0.00003; gnomAD exomes 0.00003.
gnomAD v4.1: 47 of 1,613,918 alleles (0.0029%); highest among the groups gnomAD compares: Non-Finnish European, 0.0036%; no homozygotes.

Submission:

PreventionGenetics, part of Exact Sciences
Classification: Likely benign for SEMA3C-related condition. Last evaluated: 2024-01-03. Review status: no assertion criteria provided. Collection method: clinical testing. Allele origin: germline.
Comment: This variant is classified as likely benign based on ACMG/AMP sequence variant interpretation guidelines (Richards et al. 2015 PMID: 25741868, with internal and published modifications).

NM_006379.5(SEMA3C):c.1599C>T (p.Ala533=)

Gene: SEMA3C (semaphorin 3C; minus strand). Cytogenetic location: 7q21.11.
Variant type: single nucleotide variant.
Coding change: c.1599C>T on transcript NM_006379.5 (MANE Select); coding-DNA position 1599, C replaced by T.
Protein change: p.Ala533=; no amino-acid change (alanine 533 retained).
Molecular consequence: synonymous variant.
Genome position (GRCh38, 1-based): chr7:80,758,375, G>A on the plus strand (C>T on the coding strand, the complement: SEMA3C is on the minus strand). VCF-style: chr7-80758375-G-A. GRCh37 (hg19) VCF-style: chr7-80387691-G-A.
Other names: c.1653C>T, p.Ala551= (NM_001350120.2); c.1425C>T, p.Ala475= (NM_001350121.2).
Identifiers: ClinVar variation 3030767 (VCV003030767.2), dbSNP rs1339153653, ClinGen allele CA456127295.
Genomic context (GRCh38, chr7:80,758,375, plus strand): 5'-AGTGTTTAGTGCTCACCGTTTCCCAGTTGGGTAGAATCTGGAACAGGAATGGCCATCCCA[G>A]GCGCAATAAGGGTCCCGCGCCAGGCAGCAGTCAGCACAGGCTGTACCATAGATGTGGCAG-3'
Protein context (NP_006370.1, residues 523-543): DCCLARDPYC[Ala533=]WDGHSCSRFY